The following is an entry in ClinVar:

ClinVar aggregate classification (germline): Conflicting classifications of pathogenicity. Review status: criteria provided, conflicting classifications (1 of 4 stars). 2 submissions from 2 submitters: Uncertain significance (1); Likely benign (1). Last evaluated 2023-11-17.

Conditions:
Hereditary cancer-predisposing syndrome. Also called: Hereditary neoplastic syndrome; Neoplastic Syndromes, Hereditary; Hereditary Cancer Syndrome; Tumor predisposition. Identifiers: Orphanet 140162, MedGen C0027672, MeSH D009386, MONDO:0015356.
Hereditary breast ovarian cancer syndrome. Also called: BRCA1- and BRCA2-Associated Hereditary Breast and Ovarian Cancer; Hereditary breast and ovarian cancer syndrome (HBOC); Hereditary breast and/or ovarian cancer syndrome; Hereditary breast and ovarian cancer syndrome; Hereditary breast and ovarian cancer; Breast and ovarian cancer. Identifiers: Orphanet 145, MedGen C0677776, MeSH D061325, MONDO:0003582. Disease mechanism: loss of function.

Submissions (2):

Labcorp Genetics (formerly Invitae), Labcorp
Classification: Uncertain significance for Hereditary breast ovarian cancer syndrome. Last evaluated: 2023-11-17. Review status: criteria provided, single submitter. Criteria: Invitae Variant Classification Sherloc (09022015). Collection method: clinical testing. Allele origin: germline.
Comment: This sequence change replaces leucine, which is neutral and non-polar, with arginine, which is basic and polar, at codon 2106 of the BRCA2 protein (p.Leu2106Arg). This variant is not present in population databases (gnomAD no frequency). This variant has not been reported in the literature in individuals affected with BRCA2-related conditions. ClinVar contains an entry for this variant (Variation ID: 1719289). Advanced modeling of protein sequence and biophysical properties (such as structural, functional, and spatial information, amino acid conservation, physicochemical variation, residue mobility, and thermodynamic stability) performed at Invitae indicates that this missense variant is not expected to disrupt BRCA2 protein function with a negative predictive value of 95%. In summary, the available evidence is currently insufficient to determine the role of this variant in disease. Therefore, it has been classified as a Variant of Uncertain Significance.

University of Washington Department of Laboratory Medicine, University of Washington
Classification: Likely benign for Hereditary cancer-predisposing syndrome. Last evaluated: 2023-03-23. Review status: criteria provided, single submitter. Criteria: Dines et al. (Genet Med. 2020). Collection method: curation. Allele origin: germline.
Comment: Missense variant in a coldspot region where missense variants are very unlikely to be pathogenic (PMID:31911673).

BRCA2 exon 11 coldspot. Reclassification based on statistical prior probability.

NM_000059.4(BRCA2):c.6317T>G (p.Leu2106Arg)

Gene: BRCA2 (BRCA2 DNA repair associated; plus strand). Cytogenetic location: 13q13.1.
Variant type: single nucleotide variant.
Coding change: c.6317T>G on transcript NM_000059.4 (MANE Select); coding-DNA position 6317, T replaced by G.
Protein change: p.Leu2106Arg; replaces leucine 2106 with arginine.
Molecular consequence: missense variant.
Genome position (GRCh38, 1-based): chr13:32,340,672, T>G. VCF-style: chr13-32340672-T-G. GRCh37 (hg19) VCF-style: chr13-32914809-T-G.
Other names: c.6317T>G, p.Leu2106Arg (NM_001406719.1, NM_001406720.1); short protein forms L2106R.
Identifiers: ClinVar variation 1719289 (VCV001719289.7), dbSNP rs56172926, ClinGen allele CA387789059.
Genomic context (GRCh38, chr13:32,340,672, plus strand): 5'-TCAGAACTGAGCATAGTCTTCACTATTCACCTACGTCTAGACAAAATGTATCAAAAATAC[T>G]TCCTCGTGTTGATAAGAGAAACCCAGAGCACTGTGTAAACTCAGAAATGGAAAAAACCTG-3'
Protein context (NP_000050.3, residues 2096-2116): PTSRQNVSKI[Leu2106Arg]PRVDKRNPEH